The following is an entry in ClinVar:

ClinVar aggregate classification (germline): Likely benign (1 of 4 stars; one submission).

Allele frequency attached by ClinVar (database versions not stated): TOPMed 0.00001; ExAC 0.00002; gnomAD 0.00001; gnomAD exomes 0.00001.
gnomAD v4.1: 11 of 1,612,320 alleles (0.00068%); highest among the groups gnomAD compares: East Asian, 0.0022%; no homozygotes.

Submission:

CeGaT Center for Human Genetics Tuebingen
Classification: Likely benign. Last evaluated: 2023-02-01. Review status: criteria provided, single submitter. Criteria: CeGaT Center For Human Genetics Tuebingen Variant Classification Criteria Version 2. Collection method: clinical testing. Allele origin: germline. Affected: yes. Observed: 1 variant allele.
Comment: COL6A1: BP4, BP7

NM_001848.3(COL6A1):c.1926C>T (p.Ile642=)

Gene: COL6A1 (collagen type VI alpha 1 chain; plus strand). Cytogenetic location: 21q22.3.
Variant type: single nucleotide variant.
Coding change: c.1926C>T on transcript NM_001848.3 (MANE Select); coding-DNA position 1926, C replaced by T.
Protein change: p.Ile642=; no amino-acid change (isoleucine 642 retained).
Molecular consequence: synonymous variant.
Genome position (GRCh38, 1-based): chr21:46,001,356, C>T. VCF-style: chr21-46001356-C-T. GRCh37 (hg19) VCF-style: chr21-47421270-C-T.
Identifiers: ClinVar variation 2652796 (VCV002652796.24), dbSNP rs774697278, ClinGen allele CA10070654.